The following is an entry in ClinVar:

ClinVar aggregate classification (germline): Likely benign (0 of 4 stars; one submission).

Conditions:
CACNA2D2-related disorder. Also called: CACNA2D2-related condition.

Allele frequency attached by ClinVar (database versions not stated): gnomAD 0.00001; TOPMed 0.00001.
gnomAD v4.1: 2 of 1,613,674 alleles (0.00012%); highest among the groups gnomAD compares: Non-Finnish European, 0.00017%; no homozygotes.

Submission:

PreventionGenetics, part of Exact Sciences
Classification: Likely benign for CACNA2D2-related condition. Last evaluated: 2019-02-26. Review status: no assertion criteria provided. Collection method: clinical testing. Allele origin: germline.
Comment: This variant is classified as likely benign based on ACMG/AMP sequence variant interpretation guidelines (Richards et al. 2015 PMID: 25741868, with internal and published modifications).

NM_006030.4(CACNA2D2):c.666C>T (p.Leu222=)

Gene: CACNA2D2 (calcium voltage-gated channel auxiliary subunit alpha2delta 2; minus strand). Cytogenetic location: 3p21.31.
Variant type: single nucleotide variant.
Coding change: c.666C>T on transcript NM_006030.4 (MANE Select); coding-DNA position 666, C replaced by T.
Protein change: p.Leu222=; no amino-acid change (leucine 222 retained).
Molecular consequence: synonymous variant.
Genome position (GRCh38, 1-based): chr3:50,381,113, G>A on the plus strand (C>T on the coding strand, the complement: CACNA2D2 is on the minus strand). VCF-style: chr3-50381113-G-A. GRCh37 (hg19) VCF-style: chr3-50418544-G-A.
Other names: c.666C>T, p.Leu222= (NM_001005505.3, NM_001174051.3, NM_001410768.1); c.459C>T, p.Leu153= (NM_001291101.1).
Identifiers: ClinVar variation 3046865 (VCV003046865.2), dbSNP rs1481740871, ClinGen allele CA433706005.